The following is an entry in ClinVar:

NM_020937.4(FANCM):c.4469A>G (p.Asn1490Ser)

Gene: FANCM (FA complementation group M; plus strand). Cytogenetic location: 14q21.2.
Variant type: single nucleotide variant.
Coding change: c.4469A>G on transcript NM_020937.4 (MANE Select); coding-DNA position 4469, A replaced by G.
Protein change: p.Asn1490Ser; replaces asparagine 1490 with serine.
Molecular consequence: missense variant.
Genome position (GRCh38, 1-based): chr14:45,183,856, A>G. VCF-style: chr14-45183856-A-G. GRCh37 (hg19) VCF-style: chr14-45653059-A-G.
Other names: c.4391A>G, p.Asn1464Ser (NM_001308133.2); short protein forms N1490S, N1464S.
Identifiers: ClinVar variation 3004472 (VCV003004472.3), dbSNP rs2503222383, ClinGen allele CA389607756.

ClinVar aggregate classification (germline): Uncertain significance (1 of 4 stars; one submission).

Conditions:
Fanconi anemia (FA). Also called: Fanconi's anemia. Identifiers: Orphanet 84, MedGen C0015625, MeSH D005199, MONDO:0019391.

Submission:

Labcorp Genetics (formerly Invitae), Labcorp
Classification: Uncertain significance for Fanconi anemia. Last evaluated: 2023-08-17. Review status: criteria provided, single submitter. Criteria: Invitae Variant Classification Sherloc (09022015). Collection method: clinical testing. Allele origin: germline.
Comment: In summary, the available evidence is currently insufficient to determine the role of this variant in disease. Therefore, it has been classified as a Variant of Uncertain Significance. Algorithms developed to predict the effect of missense changes on protein structure and function output the following: SIFT: "Not Available"; PolyPhen-2: "Benign"; Align-GVGD: "Not Available". The serine amino acid residue is found in multiple mammalian species, which suggests that this missense change does not adversely affect protein function. This variant has not been reported in the literature in individuals affected with FANCM-related conditions. This variant is not present in population databases (gnomAD no frequency). This sequence change replaces asparagine, which is neutral and polar, with serine, which is neutral and polar, at codon 1490 of the FANCM protein (p.Asn1490Ser).